The following is an entry in ClinVar:

ClinVar aggregate classification (germline): Benign/Likely benign. Review status: criteria provided, multiple submitters, no conflicts (2 of 4 stars). 2 submissions from 2 submitters: Benign (1); Likely benign (1). Last evaluated 2026-04-27.

Conditions:
Colorectal cancer, susceptibility to, 1. Also called: COLORECTAL ADENOMA AND CANCER, SUSCEPTIBILITY TO; COLORECTAL CANCER, SUSCEPTIBILITY TO, ON CHROMOSOME 9. Identifiers: MedGen C1837315, MONDO:0012132, OMIM 608812.

Submissions (2):

Myriad Genetics, Inc.
Classification: Benign for Colorectal cancer, susceptibility to, 1. Last evaluated: 2026-04-27. Review status: criteria provided, single submitter. Criteria: Myriad Autosomal Dominant, Autosomal Recessive and X-Linked Classification Criteria (2023). Collection method: clinical testing. Allele origin: unknown.
Comment: This variant is considered benign. This variant is a silent/synonymous amino acid change and it is not expected to impact splicing.

Ambry Genetics
Classification: Likely benign. Last evaluated: 2019-10-12. Review status: criteria provided, single submitter. Criteria: Ambry Variant Classification Scheme 2023. Collection method: clinical testing. Allele origin: germline.

NM_024642.5(GALNT12):c.1113C>T (p.Tyr371=)

Gene: GALNT12 (polypeptide N-acetylgalactosaminyltransferase 12; plus strand). Cytogenetic location: 9q22.33.
Variant type: single nucleotide variant.
Coding change: c.1113C>T on transcript NM_024642.5 (MANE Select); coding-DNA position 1113, C replaced by T.
Protein change: p.Tyr371=; no amino-acid change (tyrosine 371 retained).
Molecular consequence: synonymous variant.
Genome position (GRCh38, 1-based): chr9:98,837,049, C>T. VCF-style: chr9-98837049-C-T. GRCh37 (hg19) VCF-style: chr9-101599331-C-T.
Identifiers: ClinVar variation 1795682 (VCV001795682.3), dbSNP rs2118451113, ClinGen allele CA466425031.